The following is an entry in ClinVar:

ClinVar aggregate classification (germline): Uncertain significance (1 of 4 stars; one submission).

Submission:

Labcorp Genetics (formerly Invitae), Labcorp
Classification: Uncertain significance. Last evaluated: 2025-09-29. Review status: criteria provided, single submitter. Criteria: Invitae Variant Classification Sherloc (09022015). Collection method: clinical testing. Allele origin: germline.
Comment: This variant, c.542_556del, results in the deletion of 5 amino acid(s) of the IHH protein (p.Glu181_His185del), but otherwise preserves the integrity of the reading frame. This variant is not present in population databases (gnomAD no frequency). This variant has not been reported in the literature in individuals affected with IHH-related conditions. ClinVar contains an entry for this variant (Variation ID: 2766566). Experimental studies and prediction algorithms are not available or were not evaluated, and the functional significance of this variant is currently unknown. In summary, the available evidence is currently insufficient to determine the role of this variant in disease. Therefore, it has been classified as a Variant of Uncertain Significance.

NM_002181.4(IHH):c.542_556del (p.Glu181_His185del)

Gene: IHH (Indian hedgehog signaling molecule; minus strand). Cytogenetic location: 2q35.
Variant type: Deletion.
Coding change: c.542_556del on transcript NM_002181.4 (MANE Select); coding-DNA positions 542 to 556, 15 bases deleted (AGTCAAAGGCCCACG).
Protein change: p.Glu181_His185del.
Molecular consequence: inframe deletion.
Genome position (GRCh38, 1-based): chr2:219,057,454-219,057,468, CGTGGGCCTTTGACT deleted on the plus strand (AGTCAAAGGCCCACG on the coding strand, the reverse complement: IHH is on the minus strand); deleting any 15 consecutive bases within chr2:219,057,454-219,057,471 gives the same sequence; the c. name uses the placement nearest the transcript's 3' end. VCF-style (leftmost placement, unchanged base first): chr2-219057453-ACGTGGGCCTTTGACT-A. GRCh37 (hg19) VCF-style: chr2-219922175-ACGTGGGCCTTTGACT-A.
Identifiers: ClinVar variation 2766566 (VCV002766566.3), dbSNP rs2469514025, ClinGen allele CA2697550461.